The following is an entry in ClinVar:

NM_032043.3(BRIP1):c.94-6del

Gene: BRIP1 (BRCA1 interacting DNA helicase 1; minus strand). Cytogenetic location: 17q23.2.
Variant type: Deletion.
Coding change: c.94-6del on transcript NM_032043.3 (MANE Select); 6 bases into the intron before coding-DNA position 94, one base deleted (T; older notation c.94-6delT).
Molecular consequence: intron variant.
Genome position (GRCh38, 1-based): chr17:61,859,913, A deleted on the plus strand (T on the coding strand, the reverse complement: BRIP1 is on the minus strand); the first of 2 consecutive A bases (chr17:61,859,913-61,859,914); deleting either gives the same sequence. VCF-style (leftmost placement, unchanged base first): chr17-61859912-GA-G. GRCh37 (hg19) VCF-style: chr17-59937273-GA-G.
Identifiers: ClinVar variation 3378870 (VCV003378870.1).

ClinVar aggregate classification (germline): Likely benign (1 of 4 stars; one submission).

Conditions:
Familial cancer of breast. Also called: hereditary breast carcinoma; Hereditary breast cancer; BREAST CANCER, FAMILIAL. Identifiers: Orphanet 227535, MedGen C0346153, MONDO:0016419, OMIM 114480. Disease mechanism: loss of function.

Submission:

Myriad Genetics, Inc.
Classification: Likely benign for Familial cancer of breast. Last evaluated: 2024-08-09. Review status: criteria provided, single submitter. Criteria: Myriad Autosomal Dominant, Autosomal Recessive and X-Linked Classification Criteria (2023). Collection method: clinical testing. Allele origin: unknown.
Comment: This variant is considered likely benign. This variant is intronic and is not expected to impact mRNA splicing.